The following is an entry in ClinVar:

NM_001615.4(ACTG2):c.620G>C (p.Arg207Thr)

Gene: ACTG2 (actin gamma 2, smooth muscle; plus strand). Cytogenetic location: 2p13.1.
Variant type: single nucleotide variant.
Coding change: c.620G>C on transcript NM_001615.4 (MANE Select); coding-DNA position 620, G replaced by C.
Protein change: p.Arg207Thr; replaces arginine 207 with threonine.
Molecular consequence: missense variant.
Genome position (GRCh38, 1-based): chr2:73,914,686, G>C. VCF-style: chr2-73914686-G-C. GRCh37 (hg19) VCF-style: chr2-74141813-G-C.
Other names: c.491G>C, p.Arg164Thr (NM_001199893.2); short protein forms R164T, R207T.
Identifiers: ClinVar variation 5009700 (VCV005009700.1).

ClinVar aggregate classification (germline): Uncertain significance (1 of 4 stars; one submission).

Submission:

GeneDx
Classification: Uncertain significance. Last evaluated: 2026-02-24. Review status: criteria provided, single submitter. Criteria: GeneDx Variant Classification Process June 2021. Collection method: clinical testing. Allele origin: germline.
Comment: Not observed at significant frequency in large population cohorts (gnomAD); In silico analysis supports that this missense variant has a deleterious effect on protein structure/function; Has not been previously published as pathogenic or benign to our knowledge